The following is an entry in ClinVar:

NM_002382.5(MAX):c.171+36A>G

Genes: MAX (MYC associated factor X; minus strand), MAX-AS1 (MAX antisense RNA 1; plus strand). Cytogenetic location: 14q23.3.
Variant type: single nucleotide variant.
Coding change: c.171+36A>G on transcript NM_002382.5 (MANE Select); 36 bases into the intron after coding-DNA position 171, A replaced by G.
Molecular consequence: intron variant. On other transcripts: non-coding transcript variant (1).
Genome position (GRCh38, 1-based): chr14:65,093,672, T>C on the plus strand (A>G on the coding strand, the complement: MAX is on the minus strand). VCF-style: chr14-65093672-T-C. GRCh37 (hg19) VCF-style: chr14-65560390-T-C.
Other names: c.144+36A>G (NM_001271069.2, NM_145112.3, NM_001271068.2); c.171+36A>G (NM_197957.4, NM_145113.3, NM_145114.3); c.-104+36A>G (NM_001320415.2).
Identifiers: ClinVar variation 676929 (VCV000676929.1), dbSNP rs115053488, ClinGen allele CA7232970.

ClinVar aggregate classification (germline): Likely benign (1 of 4 stars; one submission).

Allele frequency attached by ClinVar (database versions not stated): gnomAD exomes 0.00069 and 0.00144; ExAC 0.00175; gnomAD 0.00528 and 0.00564; ESP Exome Variant Server 0.00554; TOPMed 0.00592; 1000 Genomes Project 0.00679; 1000 Genomes Project 30x 0.00703.
gnomAD v4.1: 1,507 of 1,097,292 alleles (0.14%); highest among the groups gnomAD compares: African/African-American, 1.8%; 20 homozygotes.

Submission:

GeneDx
Classification: Likely benign. Last evaluated: 2018-06-16. Review status: criteria provided, single submitter. Criteria: GeneDx Variant Classification (06012015). Collection method: clinical testing. Allele origin: germline. Affected: yes.
Comment: This variant is considered likely benign or benign based on one or more of the following criteria: it is a conservative change, it occurs at a poorly conserved position in the protein, it is predicted to be benign by multiple in silico algorithms, and/or has population frequency not consistent with disease.